The following is an entry in ClinVar:

ClinVar aggregate classification (germline): Conflicting classifications of pathogenicity. Review status: criteria provided, conflicting classifications (1 of 4 stars). 3 submissions from 3 submitters: Uncertain significance (1); Likely benign (2). Last evaluated 2025-06-01.

Conditions:
Inborn genetic diseases. Identifiers: MedGen C0950123, MeSH D030342.

Allele frequency attached by ClinVar (database versions not stated): gnomAD 0.00001; TOPMed 0.00001; ExAC 0.00004.
gnomAD v4.1: 34 of 1,614,020 alleles (0.0021%); highest among the groups gnomAD compares: South Asian, 0.018%; no homozygotes.

Submissions (3):

CeGaT Center for Human Genetics Tuebingen
Classification: Likely benign. Last evaluated: 2025-06-01. Review status: criteria provided, single submitter. Criteria: CeGaT Center For Human Genetics Tuebingen Variant Classification Criteria Version 2. Collection method: clinical testing. Allele origin: germline. Affected: yes. Observed: 1 variant allele.
Comment: MACF1: BP4

Ambry Genetics
Classification: Likely benign for Inborn genetic diseases. Last evaluated: 2024-10-11. Review status: criteria provided, single submitter. Criteria: Ambry Variant Classification Scheme 2023. Collection method: clinical testing. Allele origin: germline.

Labcorp Genetics (formerly Invitae), Labcorp
Classification: Uncertain significance. Last evaluated: 2022-08-22. Review status: criteria provided, single submitter. Criteria: Invitae Variant Classification Sherloc (09022015). Collection method: clinical testing. Allele origin: germline.
Comment: In summary, the available evidence is currently insufficient to determine the role of this variant in disease. Therefore, it has been classified as a Variant of Uncertain Significance. Algorithms developed to predict the effect of missense changes on protein structure and function are either unavailable or do not agree on the potential impact of this missense change (SIFT: "Deleterious"; PolyPhen-2: "Probably Damaging"; Align-GVGD: "Class C0"). This variant has not been reported in the literature in individuals affected with MACF1-related conditions. This variant is present in population databases (rs771296302, gnomAD 0.02%). This sequence change replaces arginine, which is basic and polar, with histidine, which is basic and polar, at codon 3919 of the MACF1 protein (p.Arg3919His).

NM_001394062.1(MACF1):c.17942G>A (p.Arg5981His)

Gene: MACF1 (microtubule actin crosslinking factor 1; plus strand). Cytogenetic location: 1p34.3.
Variant type: single nucleotide variant.
Coding change: c.17942G>A on transcript NM_001394062.1 (MANE Select); coding-DNA position 17942, G replaced by A.
Protein change: p.Arg5981His; replaces arginine 5981 with histidine.
Molecular consequence: missense variant.
Genome position (GRCh38, 1-based): chr1:39,435,715, G>A. VCF-style: chr1-39435715-G-A. GRCh37 (hg19) VCF-style: chr1-39901387-G-A.
Other names: c.11756G>A (NM_012090.4); c.6011G>A, p.Arg2004His (NM_001397473.1); c.11756G>A, p.Arg3919His (NM_012090.5); short protein forms R3919H, R5981H, R2004H.
Identifiers: ClinVar variation 1975693 (VCV001975693.14), dbSNP rs771296302, ClinGen allele CA783740.